The following is an entry in ClinVar:

NM_003070.5(SMARCA2):c.1670A>G (p.Lys557Arg)

Gene: SMARCA2 (SWI/SNF related BAF chromatin remodeling complex subunit ATPase 2; plus strand). Cytogenetic location: 9p24.3.
Variant type: single nucleotide variant.
Coding change: c.1670A>G on transcript NM_003070.5 (MANE Select); coding-DNA position 1670, A replaced by G.
Protein change: p.Lys557Arg; replaces lysine 557 with arginine.
Molecular consequence: missense variant.
Genome position (GRCh38, 1-based): chr9:2,060,964, A>G. VCF-style: chr9-2060964-A-G. GRCh37 (hg19) VCF-style: chr9-2060964-A-G.
Other names: c.1670A>G, p.Lys557Arg (NM_001289396.2, NM_001289397.2, NM_139045.4); short protein forms K557R.
Identifiers: ClinVar variation 2792220 (VCV002792220.3), dbSNP rs1288457542, ClinGen allele CA372782717.

ClinVar aggregate classification (germline): Uncertain significance (1 of 4 stars; one submission).

Allele frequency attached by ClinVar (database versions not stated): gnomAD exomes below 0.00001; gnomAD 0.00001; TOPMed 0.00002.
gnomAD v4.1: 4 of 1,613,884 alleles (0.00025%); highest among the groups gnomAD compares: Admixed American, 0.0017%; no homozygotes.

Submission:

Labcorp Genetics (formerly Invitae), Labcorp
Classification: Uncertain significance. Last evaluated: 2023-04-25. Review status: criteria provided, single submitter. Criteria: Invitae Variant Classification Sherloc (09022015). Collection method: clinical testing. Allele origin: germline.
Comment: This sequence change replaces lysine, which is basic and polar, with arginine, which is basic and polar, at codon 557 of the SMARCA2 protein (p.Lys557Arg). This variant is present in population databases (no rsID available, gnomAD 0.006%). This variant has not been reported in the literature in individuals affected with SMARCA2-related conditions. Advanced modeling of protein sequence and biophysical properties (such as structural, functional, and spatial information, amino acid conservation, physicochemical variation, residue mobility, and thermodynamic stability) performed at Invitae indicates that this missense variant is not expected to disrupt SMARCA2 protein function. In summary, the available evidence is currently insufficient to determine the role of this variant in disease. Therefore, it has been classified as a Variant of Uncertain Significance.